The following is an entry in ClinVar:

NM_001379500.1(COL18A1):c.1227C>A (p.Asp409Glu)

Gene: COL18A1 (collagen type XVIII alpha 1 chain; plus strand). Cytogenetic location: 21q22.3.
Variant type: single nucleotide variant.
Coding change: c.1227C>A on transcript NM_001379500.1 (MANE Select); coding-DNA position 1227, C replaced by A.
Protein change: p.Asp409Glu; replaces aspartic acid 409 with glutamic acid.
Molecular consequence: missense variant.
Genome position (GRCh38, 1-based): chr21:45,478,332, C>A. VCF-style: chr21-45478332-C-A. GRCh37 (hg19) VCF-style: chr21-46898246-C-A.
Other names: c.1767C>A, p.Asp589Glu (NM_030582.4); c.2472C>A, p.Asp824Glu (NM_130444.3); short protein forms D409E, D824E, D589E.
Identifiers: ClinVar variation 1407123 (VCV001407123.3), dbSNP rs781130929, ClinGen allele CA10066161.

ClinVar aggregate classification (germline): Uncertain significance (1 of 4 stars; one submission).

gnomAD v4.1: 4 of 1,614,122 alleles (0.00025%); highest among the groups gnomAD compares: Non-Finnish European, 0.00034%; no homozygotes.

Submission:

Labcorp Genetics (formerly Invitae), Labcorp
Classification: Uncertain significance. Last evaluated: 2021-06-22. Review status: criteria provided, single submitter. Criteria: Invitae Variant Classification Sherloc (09022015). Collection method: clinical testing. Allele origin: germline.
Comment: This sequence change replaces aspartic acid with glutamic acid at codon 409 of the COL18A1 protein (p.Asp409Glu). There is a small physicochemical difference between aspartic acid and glutamic acid. This variant is present in population databases (rs781130929, ExAC 0.001%). This variant has not been reported in the literature in individuals with COL18A1-related conditions. Experimental studies and prediction algorithms are not available or were not evaluated, and the functional significance of this variant is currently unknown. In summary, the available evidence is currently insufficient to determine the role of this variant in disease. Therefore, it has been classified as a Variant of Uncertain Significance.